The following is an entry in ClinVar:

NM_004385.5(VCAN):c.4964T>C (p.Met1655Thr)

Genes: VCAN (versican; plus strand), VCAN-AS1 (VCAN antisense RNA 1; minus strand). Cytogenetic location: 5q14.3.
Variant type: single nucleotide variant.
Coding change: c.4964T>C on transcript NM_004385.5 (MANE Select); coding-DNA position 4964, T replaced by C.
Protein change: p.Met1655Thr; replaces methionine 1655 with threonine.
Molecular consequence: missense variant. On other transcripts: intron variant (2).
Genome position (GRCh38, 1-based): chr5:83,537,967, T>C. VCF-style: chr5-83537967-T-C. GRCh37 (hg19) VCF-style: chr5-82833786-T-C.
Other names: c.2003T>C, p.Met668Thr (NM_001164097.2); c.4004-7570T>C (NM_001164098.2); c.1043-7570T>C (NM_001126336.3); short protein forms M1655T, M668T.
Identifiers: ClinVar variation 860070 (VCV000860070.10), dbSNP rs1746792701, ClinGen allele CA360309382.

ClinVar aggregate classification (germline): Uncertain significance (1 of 4 stars; one submission).

Allele frequency attached by ClinVar (database versions not stated): gnomAD exomes below 0.00001.

Submission:

Labcorp Genetics (formerly Invitae), Labcorp
Classification: Uncertain significance. Last evaluated: 2019-12-31. Review status: criteria provided, single submitter. Criteria: Invitae Variant Classification Sherloc (09022015). Collection method: clinical testing. Allele origin: germline.
Comment: Algorithms developed to predict the effect of missense changes on protein structure and function output the following: SIFT: "Tolerated"; PolyPhen-2: "Benign"; Align-GVGD: "Class C0". The threonine amino acid residue is found in multiple mammalian species, suggesting that this missense change does not adversely affect protein function. These predictions have not been confirmed by published functional studies and their clinical significance is uncertain. In summary, the available evidence is currently insufficient to determine the role of this variant in disease. Therefore, it has been classified as a Variant of Uncertain Significance. This variant has not been reported in the literature in individuals with VCAN-related conditions. This variant is not present in population databases (ExAC no frequency). This sequence change replaces methionine with threonine at codon 1655 of the VCAN protein (p.Met1655Thr). The methionine residue is weakly conserved and there is a moderate physicochemical difference between methionine and threonine.